The following is an entry in ClinVar:

NM_152564.5(VPS13B):c.5998C>T (p.Pro2000Ser)

Gene: VPS13B (vacuolar protein sorting 13 homolog B; plus strand). Cytogenetic location: 8q22.2.
Variant type: single nucleotide variant.
Coding change: c.5998C>T on transcript NM_152564.5 (MANE Select); coding-DNA position 5998, C replaced by T.
Protein change: p.Pro2000Ser; replaces proline 2000 with serine.
Molecular consequence: missense variant.
Genome position (GRCh38, 1-based): chr8:99,661,443, C>T. VCF-style: chr8-99661443-C-T. GRCh37 (hg19) VCF-style: chr8-100673671-C-T.
Other names: c.6073C>T, p.Pro2025Ser (NM_017890.5); short protein forms P2000S, P2025S.
Identifiers: ClinVar variation 859247 (VCV000859247.11), dbSNP rs939700991, ClinGen allele CA183017446.
Genomic context (GRCh38, chr8:99,661,443, plus strand): 5'-GATTATTGCACTGTTTGGCTACAGACAGTGCCTGGAGAAATAGACAGCAAAAGTGGTATT[C>T]CACCTTCCTTTATAACACTACAGATTAAAGACTTTCTGAATGGACCAGGTAAGAAAGTCA-3'
Protein context (NP_689777.3, residues 1990-2010): PGEIDSKSGI[Pro2000Ser]PSFITLQIKD

ClinVar aggregate classification (germline): Uncertain significance (1 of 4 stars; one submission).

Conditions:
Cohen syndrome (COH1). Also called: PEPPER SYNDROME; Cutis verticis gyrata, retinitis pigmentosa, and sensorineural deafness. Identifiers: Orphanet 193, MedGen C0265223, MONDO:0008999, OMIM 216550.

Submission:

Labcorp Genetics (formerly Invitae), Labcorp
Classification: Uncertain significance for Cohen syndrome. Last evaluated: 2022-02-20. Review status: criteria provided, single submitter. Criteria: Invitae Variant Classification Sherloc (09022015). Collection method: clinical testing. Allele origin: germline.
Comment: This sequence change replaces proline, which is neutral and non-polar, with serine, which is neutral and polar, at codon 2025 of the VPS13B protein (p.Pro2025Ser). This variant is not present in population databases (gnomAD no frequency). This variant has not been reported in the literature in individuals affected with VPS13B-related conditions. ClinVar contains an entry for this variant (Variation ID: 859247). Algorithms developed to predict the effect of missense changes on protein structure and function are either unavailable or do not agree on the potential impact of this missense change (SIFT: "Not Available"; PolyPhen-2: "Probably Damaging"; Align-GVGD: "Not Available"). In summary, the available evidence is currently insufficient to determine the role of this variant in disease. Therefore, it has been classified as a Variant of Uncertain Significance.